The following is an entry in ClinVar:

ClinVar aggregate classification (germline): Uncertain significance (0 of 4 stars; one submission).

Allele frequency attached by ClinVar (database versions not stated): gnomAD exomes below 0.00001.
gnomAD v4.1: 3 of 1,211,602 alleles (0.00025%); highest among the groups gnomAD compares: Non-Finnish European, 0.00034%; no homozygotes.

Submission:

Department of Pathology and Laboratory Medicine, Sinai Health System
Classification: Uncertain significance. Review status: no assertion criteria provided. Collection method: clinical testing. Allele origin: unknown. Affected: yes. Study: The Canadian Open Genetics Repository (COGR).
Comment: The SLC9A7 p.S160I variant was not identified in the literature nor was it identified in dbSNP, ClinVar, or LOVD 3.0. The variant was identified in Cosmic (confirmed somatically in liver carcinoma with FATHMM prediction score of pathogenic, 0.94). The variant was also not identified in the following control databases: the 1000 Genomes Project, the NHLBI GO Exome Sequencing Project, the Exome Aggregation Consortium (August 8th 2016), or the Genome Aggregation Database (March 6, 2019, v2.1.1). The p.Ser160 residue is conserved in mammals and computational analyses (PolyPhen-2, SIFT, AlignGVGD, BLOSUM, MutationTaster) provide inconsistent predictions regarding the impact to the protein; this information is not very predictive of pathogenicity. The variant occurs outside of the splicing consensus sequence and three of four in silico or computational prediction software programs (SpliceSiteFinder, MaxEntScan, NNSPLICE, GeneSplicer) do not predict a difference in splicing; this is not very predictive of pathogenicity. In summary, based on the above information the clinical significance of this variant cannot be determined with certainty at this time. This variant is classified as a variant of uncertain significance.

NM_001257291.2(SLC9A7):c.479G>T (p.Ser160Ile)

Gene: SLC9A7 (solute carrier family 9 member A7; minus strand). Cytogenetic location: Xp11.3.
Variant type: single nucleotide variant.
Coding change: c.479G>T on transcript NM_001257291.2 (MANE Select); coding-DNA position 479, G replaced by T.
Protein change: p.Ser160Ile; replaces serine 160 with isoleucine.
Molecular consequence: missense variant.
Genome position (GRCh38, 1-based): chrX:46,682,382, C>A on the plus strand (G>T on the coding strand, the complement: SLC9A7 is on the minus strand). VCF-style: chrX-46682382-C-A. GRCh37 (hg19) VCF-style: chrX-46541817-C-A.
Other names: c.479G>T, p.Ser160Ile (NM_032591.3); short protein forms S160I.
Identifiers: ClinVar variation 1049664 (VCV001049664.1), dbSNP rs2146870204, ClinGen allele CA413033953.
Genomic context (GRCh38, chrX:46,682,382, plus strand): 5'-TGTCCCCAGCTCACCTTCCGTAGCATATCATTCTGCTCTACGCTGTTGATCTTGCCAGGA[C>A]TGATTTCTCCTTTCAGAGTGTATTCGAAGAACTTTCCGCTGACATTCACTAATAAGGTAC-3'
Protein context (NP_001244220.1, residues 150-170): FFEYTLKGEI[Ser160Ile]PGKINSVEQN